The following is an entry in ClinVar:

NM_018263.6(ASXL2):c.3941C>T (p.Pro1314Leu)

Gene: ASXL2 (ASXL transcriptional regulator 2; minus strand). Cytogenetic location: 2p23.3.
Variant type: single nucleotide variant.
Coding change: c.3941C>T on transcript NM_018263.6 (MANE Select); coding-DNA position 3941, C replaced by T.
Protein change: p.Pro1314Leu; replaces proline 1314 with leucine.
Molecular consequence: missense variant.
Genome position (GRCh38, 1-based): chr2:25,742,396, G>A on the plus strand (C>T on the coding strand, the complement: ASXL2 is on the minus strand). VCF-style: chr2-25742396-G-A. GRCh37 (hg19) VCF-style: chr2-25965265-G-A.
Other names: c.3767C>T, p.Pro1256Leu (NM_001369346.1); c.3161C>T, p.Pro1054Leu (NM_001369347.1); short protein forms P1314L, P1256L, P1054L.
Identifiers: ClinVar variation 2613394 (VCV002613394.5), dbSNP rs570805684, ClinGen allele CA1557393.
Genomic context (GRCh38, chr2:25,742,396, plus strand): 5'-GAGACATTGATCATGCCTCTATAGCTTGGCCCTATCTGGGTGGGGCTTCCATACAACTTC[G>A]GGGTTTGCAGGGGTGGAAGGAGTAGGGGCTGGTGGGTGGGGCTGTCTGCAGGCAGAGGAA-3'
Protein context (NP_060733.4, residues 1304-1324): QPLLLPPLQT[Pro1314Leu]KLYGSPTQIG

ClinVar aggregate classification (germline): Uncertain significance. Review status: criteria provided, multiple submitters, no conflicts (2 of 4 stars). 2 submissions from 2 submitters: Uncertain significance (2). Last evaluated 2025-06-10.

Conditions:
Inborn genetic diseases. Identifiers: MedGen C0950123, MeSH D030342.

Allele frequency attached by ClinVar (database versions not stated): 1000 Genomes Project 30x 0.00016.
gnomAD v4.1: 27 of 1,610,384 alleles (0.0017%); highest among the groups gnomAD compares: East Asian, 0.04%; no homozygotes.

Submissions (2):

Labcorp Genetics (formerly Invitae), Labcorp
Classification: Uncertain significance. Last evaluated: 2025-06-10. Review status: criteria provided, single submitter. Criteria: Invitae Variant Classification Sherloc (09022015). Collection method: clinical testing. Allele origin: germline.
Comment: This sequence change replaces proline, which is neutral and non-polar, with leucine, which is neutral and non-polar, at codon 1314 of the ASXL2 protein (p.Pro1314Leu). This variant is present in population databases (rs570805684, gnomAD 0.04%). This variant has not been reported in the literature in individuals affected with ASXL2-related conditions. ClinVar contains an entry for this variant (Variation ID: 2613394). Invitae Evidence Modeling of protein sequence and biophysical properties (such as structural, functional, and spatial information, amino acid conservation, physicochemical variation, residue mobility, and thermodynamic stability) indicates that this missense variant is not expected to disrupt ASXL2 protein function with a negative predictive value of 80%. In summary, the available evidence is currently insufficient to determine the role of this variant in disease. Therefore, it has been classified as a Variant of Uncertain Significance.

Ambry Genetics
Classification: Uncertain significance for Inborn genetic diseases. Last evaluated: 2023-07-25. Review status: criteria provided, single submitter. Criteria: Ambry Variant Classification Scheme 2023. Collection method: clinical testing. Allele origin: germline.